The following is an entry in ClinVar:

NM_001430.5(EPAS1):c.2200C>T (p.His734Tyr)

Gene: EPAS1 (endothelial PAS domain protein 1; plus strand). Cytogenetic location: 2p21.
Variant type: single nucleotide variant.
Coding change: c.2200C>T on transcript NM_001430.5 (MANE Select); coding-DNA position 2200, C replaced by T.
Protein change: p.His734Tyr; replaces histidine 734 with tyrosine.
Molecular consequence: missense variant.
Genome position (GRCh38, 1-based): chr2:46,382,002, C>T. VCF-style: chr2-46382002-C-T. GRCh37 (hg19) VCF-style: chr2-46609141-C-T.
Other names: short protein forms H734Y.
Identifiers: ClinVar variation 3221610 (VCV003221610.1), dbSNP rs771329028, ClinGen allele CA1645258.

ClinVar aggregate classification (germline): Uncertain significance (1 of 4 stars; one submission).

Conditions:
Inborn genetic diseases. Identifiers: MedGen C0950123, MeSH D030342.

Allele frequency attached by ClinVar (database versions not stated): ExAC 0.00001.
gnomAD v4.1: 1 of 1,613,912 alleles (0.000062%); highest among the groups gnomAD compares: South Asian, 0.0011%; no homozygotes.

Submission:

Ambry Genetics
Classification: Uncertain significance for Inborn genetic diseases. Last evaluated: 2024-02-02. Review status: criteria provided, single submitter. Criteria: Ambry Variant Classification Scheme 2023. Collection method: clinical testing. Allele origin: germline.
Comment: The p.H734Y variant (also known as c.2200C>T), located in coding exon 14 of the EPAS1 gene, results from a C to T substitution at nucleotide position 2200. The histidine at codon 734 is replaced by tyrosine, an amino acid with similar properties. This amino acid position is conserved. In addition, this alteration is predicted to be tolerated by in silico analysis. Based on the available evidence, the clinical significance of this alteration remains unclear.